The following is an entry in ClinVar:

NM_001009944.3(PKD1):c.4046dup (p.Thr1350fs)

Gene: PKD1 (polycystin 1, transient receptor potential channel interacting; minus strand). Cytogenetic location: 16p13.3.
Variant type: Duplication.
Coding change: c.4046dup on transcript NM_001009944.3 (MANE Select); coding-DNA position 4046, one base duplicated (T; older notation c.4046dupT).
Protein change: p.Thr1350fs; shifts the reading frame from threonine 1350.
Molecular consequence: frameshift variant.
Genome position (GRCh38, 1-based): chr16:2,111,121, A duplicated on the plus strand (T on the coding strand, the reverse complement: PKD1 is on the minus strand); the first of 2 consecutive A bases (chr16:2,111,121-2,111,122); duplicating either gives the same sequence. VCF-style (leftmost placement, unchanged base first): chr16-2111120-G-GA. GRCh37 (hg19) VCF-style: chr16-2161121-G-GA.
Other names: c.4046dup, p.Thr1350fs (NM_000296.4); c.4046dupT (NM_001009944.2); short protein forms T1350fs.
Identifiers: ClinVar variation 5001202 (VCV005001202.1).

ClinVar aggregate classification (germline): Likely pathogenic (1 of 4 stars; one submission).

Conditions:
PKD1-related disorder. Also called: PKD1-related condition.

Submission:

PreventionGenetics, part of Exact Sciences
Classification: Likely pathogenic for PKD1-related condition. Last evaluated: 2025-06-01. Review status: criteria provided, single submitter. Criteria: ACMG Guidelines, 2015. Collection method: clinical testing. Allele origin: germline.
Comment: The PKD1 c.4046dupT variant is predicted to result in a frameshift and premature protein termination (p.Thr1350Hisfs*81). To our knowledge, this variant has not been reported in the literature or in a large population database (gnomAD), indicating this variant is rare. Frameshift variants in PKD1 are expected to be pathogenic. This variant is interpreted as likely pathogenic.